The following is an entry in ClinVar:

ClinVar aggregate classification (germline): Conflicting classifications of pathogenicity. Review status: criteria provided, conflicting classifications (1 of 4 stars). 2 submissions from 2 submitters: Uncertain significance (1); Likely benign (1). Last evaluated 2020-05-26.

Conditions:
Intellectual developmental disorder, X-linked, syndromic, Houge type. Also called: MENTAL RETARDATION, X-LINKED, SYNDROMIC, HOUGE TYPE; Intellectual disability, X-linked, syndromic, Houge type. Identifiers: MedGen C4538788, MONDO:0030909, OMIM 301008.

Submissions (2):

New York Genome Center
Classification: Uncertain significance for Intellectual developmental disorder, X-linked, syndromic, Houge type. Last evaluated: 2020-05-26. Review status: criteria provided, single submitter. Criteria: NYGC Assertion Criteria 2020. Collection method: clinical testing. Allele origin: maternal. Inheritance: X-linked inheritance. Observed: 1 hemizygote. Study: CSER-NYCKidSeq.
Comment: The hemizygous c.2652_2657del (p.Glu885_Glu886del) variant identified in the CNKSR2 gene is an in-frame deletion of two Glutamic Acidsat residues 885-886/1035 (coding exon 20/22). This variant is found with low frequency in gnomAD(v3.0) (4 heterozygotes, 0 homozygotes, 0 hemizygotes; allele frequency: 3.85e-5) suggesting it is not a common benign variant in the populations represented in this database. The deleted amino acids are within a stretch of Glutamic Acid repeats, and an additional single amino acid in-frame deletion in this region is also present in gnomAD at low frequency (p.Glu886del, 4 heterozygotes, 0 homozygotes, 0 hemizygotes; allele frequency: 3.85e-5). The p.Glu885 and p.Glu886 residues are within a Coiled-Coil region of CNKSR2 (UniProtKB:Q8WXI2). This variant is absent from ClinVar. To our current knowledge this variant has not been reported in the literature in affected individuals, however a single amino acid deletion (p.Glu886del) has been reported in an individual from a large Intellectual Disability cohort, although its clinical significance in that individual was not specified (PMID:25644381). Given the lack of compelling evidence for its pathogenicity, the hemizygous c.2652_2657del (p.Glu885_Glu886del) variant identified in the CNKSR2 gene is reported here as a Variant of Uncertain Significance.

Blueprint Genetics
Classification: Likely benign. Last evaluated: 2020-04-21. Review status: criteria provided, single submitter. Criteria: ACMG Guidelines, 2015. Collection method: clinical testing. Allele origin: germline.

NM_014927.5(CNKSR2):c.2637GGA[5] (p.Glu885_Glu886del)

Gene: CNKSR2 (connector enhancer of kinase suppressor of Ras 2; plus strand). Cytogenetic location: Xp22.12.
Variant type: Microsatellite.
Coding change: c.2637GGA[5] on transcript NM_014927.5 (MANE Select); five copies in a row of the 3-base unit GGA starting at c.2637; the reference has seven copies in a row; two copies, 6 bases deleted; also written c.2652_2657del.
Protein change: p.Glu885_Glu886del.
Molecular consequence: inframe deletion.
Genome position (GRCh38, 1-based): chrX:21,609,577-21,609,582, GGAGGA deleted; deleting any 6 consecutive bases within chrX:21,609,560-21,609,582 gives the same sequence; the position shown is the placement nearest the transcript's 3' end. VCF-style (leftmost placement, unchanged base first): chrX-21609559-AGAGGAG-A. GRCh37 (hg19) VCF-style: chrX-21627677-AGAGGAG-A.
Other names: c.2547GGA[5], p.Glu855_Glu856del (NM_001168647.3, NM_001330773.2); c.2637GGA[5], p.Glu885_Glu886del (NM_001168648.3); c.2490GGA[5], p.Glu836_Glu837del (NM_001168649.3, NM_001330770.2); c.2400GGA[5], p.Glu806_Glu807del (NM_001330771.2, NM_001330772.2); c.2652_2657del (NM_014927.5).
Identifiers: ClinVar variation 996985 (VCV000996985.2), dbSNP rs770084913, ClinGen allele CA10366794.
Genomic context (GRCh38, chrX:21,609,559, plus strand): 5'-GAATGCTCCAGTTAGTGCCTGTGACCCACAGGATGACGTGCAACCCCCAGAGGTGGAGGA[AGAGGAG>A]GAGGAGGAGGAGGAGGAAGGGGAGGCAGCAGGGGAAAACATAGGAGAAAAAAGTAAGTAT-3'